The following is an entry in ClinVar:

NM_005751.5(AKAP9):c.4704G>T (p.Glu1568Asp)

Gene: AKAP9 (A-kinase anchoring protein 9; plus strand). Cytogenetic location: 7q21.2.
Variant type: single nucleotide variant.
Coding change: c.4704G>T on transcript NM_005751.5 (MANE Select); coding-DNA position 4704, G replaced by T.
Protein change: p.Glu1568Asp; replaces glutamic acid 1568 with aspartic acid.
Molecular consequence: missense variant.
Genome position (GRCh38, 1-based): chr7:92,040,685, G>T. VCF-style: chr7-92040685-G-T. GRCh37 (hg19) VCF-style: chr7-91669999-G-T.
Other names: c.4704G>T, p.Glu1568Asp (NM_147185.3); short protein forms E1568D.
Identifiers: ClinVar variation 2449757 (VCV002449757.2), dbSNP rs1356418352, ClinGen allele CA368129383.

ClinVar aggregate classification (germline): Uncertain significance (1 of 4 stars; one submission).

Conditions:
Cardiovascular phenotype. Identifiers: MedGen CN230736.

Submission:

Ambry Genetics
Classification: Uncertain significance for Cardiovascular phenotype. Last evaluated: 2023-01-01. Review status: criteria provided, single submitter. Criteria: Ambry Variant Classification Scheme 2023. Collection method: clinical testing. Allele origin: germline.
Comment: The p.E1568D variant (also known as c.4704G>T), located in coding exon 18 of the AKAP9 gene, results from a G to T substitution at nucleotide position 4704. The glutamic acid at codon 1568 is replaced by aspartic acid, an amino acid with highly similar properties. This amino acid position is conserved. In addition, this alteration is predicted to be tolerated by in silico analysis. Since supporting evidence is limited at this time, the clinical significance of this alteration remains unclear.